The following is an entry in ClinVar:

ClinVar aggregate classification (germline): Benign (1 of 4 stars; one submission).

Allele frequency attached by ClinVar (database versions not stated): 1000 Genomes Project 0.63019; gnomAD 0.49700; TOPMed 0.52349; 1000 Genomes Project 30x 0.62570.
gnomAD v4.1: 76,168 of 151,958 alleles (50%); highest among the groups gnomAD compares: East Asian, 96%; 20,300 homozygotes.

Submission:

GeneDx
Classification: Benign. Last evaluated: 2018-06-14. Review status: criteria provided, single submitter. Criteria: GeneDx Variant Classification (06012015). Collection method: clinical testing. Allele origin: germline. Affected: yes.
Comment: This variant is considered likely benign or benign based on one or more of the following criteria: it is a conservative change, it occurs at a poorly conserved position in the protein, it is predicted to be benign by multiple in silico algorithms, and/or has population frequency not consistent with disease.

NM_133259.4(LRPPRC):c.1650-295A>G

Gene: LRPPRC (leucine rich pentatricopeptide repeat containing; minus strand). Cytogenetic location: 2p21.
Variant type: single nucleotide variant.
Coding change: c.1650-295A>G on transcript NM_133259.4 (MANE Select); 295 bases into the intron before coding-DNA position 1650, A replaced by G.
Molecular consequence: intron variant.
Genome position (GRCh38, 1-based): chr2:43,950,895, T>C on the plus strand (A>G on the coding strand, the complement: LRPPRC is on the minus strand). VCF-style: chr2-43950895-T-C. GRCh37 (hg19) VCF-style: chr2-44178034-T-C.
Identifiers: ClinVar variation 684312 (VCV000684312.1), dbSNP rs4953040, ClinGen allele CA11065706.